The following is an entry in ClinVar:

ClinVar aggregate classification (germline): Conflicting classifications of pathogenicity. Review status: criteria provided, conflicting classifications (1 of 4 stars). 2 submissions from 2 submitters: Uncertain significance (1); Likely benign (1). Last evaluated 2026-01-21.

Allele frequency attached by ClinVar (database versions not stated): gnomAD exomes below 0.00001; TOPMed below 0.00001; gnomAD 0.00001.
gnomAD v4.1: 4 of 1,612,608 alleles (0.00025%); highest among the groups gnomAD compares: Non-Finnish European, 0.00034%; no homozygotes.

Submissions (2):

GeneDx
Classification: Uncertain significance. Last evaluated: 2026-01-21. Review status: criteria provided, single submitter. Criteria: GeneDx Variant Classification Process June 2021. Collection method: clinical testing. Allele origin: germline.
Comment: Not observed at significant frequency in large population cohorts (gnomAD); In silico analysis suggests that this variant does not alter splicing; Has not been previously published as pathogenic or benign to our knowledge

CeGaT Center for Human Genetics Tuebingen
Classification: Likely benign. Last evaluated: 2022-04-01. Review status: criteria provided, single submitter. Criteria: CeGaT Center For Human Genetics Tuebingen Variant Classification Criteria Version 2. Collection method: clinical testing. Allele origin: germline. Affected: yes. Observed: 1 variant allele.
Comment: ATL1: BP4

NM_015915.5(ATL1):c.417+4T>A

Gene: ATL1 (atlastin GTPase 1; plus strand). Cytogenetic location: 14q22.1.
Variant type: single nucleotide variant.
Coding change: c.417+4T>A on transcript NM_015915.5 (MANE Select); 4 bases into the intron after coding-DNA position 417, T replaced by A.
Molecular consequence: intron variant.
Genome position (GRCh38, 1-based): chr14:50,591,079, T>A. VCF-style: chr14-50591079-T-A. GRCh37 (hg19) VCF-style: chr14-51057797-T-A.
Other names: c.417+4T>A (NM_001127713.1, NM_181598.4).
Identifiers: ClinVar variation 2644228 (VCV002644228.25), dbSNP rs1298355066, ClinGen allele CA613865082.